The following is an entry in ClinVar:

NM_000215.4(JAK3):c.101del (p.Gly34fs)

Gene: JAK3 (Janus kinase 3; minus strand). Cytogenetic location: 19p13.11.
Variant type: Deletion.
Coding change: c.101del on transcript NM_000215.4 (MANE Select); coding-DNA position 101, one base deleted (G; older notation c.101delG).
Protein change: p.Gly34fs; shifts the reading frame from glycine 34.
Molecular consequence: frameshift variant.
Genome position (GRCh38, 1-based): chr19:17,844,317, C deleted on the plus strand (G on the coding strand, the reverse complement: JAK3 is on the minus strand); the first of 4 consecutive C bases (chr19:17,844,317-17,844,320); deleting any one gives the same sequence. VCF-style (leftmost placement, unchanged base first): chr19-17844316-GC-G. GRCh37 (hg19) VCF-style: chr19-17955125-GC-G.
Other names: short protein forms G34fs.
Identifiers: ClinVar variation 2796382 (VCV002796382.3), dbSNP rs2514582341, ClinGen allele CA2739276610.

ClinVar aggregate classification (germline): Pathogenic (1 of 4 stars; one submission).

Conditions:
T-B+ severe combined immunodeficiency due to JAK3 deficiency. Also called: SCID, T CELL-NEGATIVE, B CELL-POSITIVE, NK CELL-NEGATIVE; SCID, autosomal recessive, T-negative/B-positive type. Identifiers: Orphanet 35078, MedGen C1833275, MONDO:0010938, OMIM 600802.

Submission:

Labcorp Genetics (formerly Invitae), Labcorp
Classification: Pathogenic for T-B+ severe combined immunodeficiency due to JAK3 deficiency. Last evaluated: 2023-08-29. Review status: criteria provided, single submitter. Criteria: Invitae Variant Classification Sherloc (09022015). Collection method: clinical testing. Allele origin: germline.
Comment: For these reasons, this variant has been classified as Pathogenic. This variant has not been reported in the literature in individuals affected with JAK3-related conditions. This variant is not present in population databases (gnomAD no frequency). This sequence change creates a premature translational stop signal (p.Gly34Alafs*113) in the JAK3 gene. It is expected to result in an absent or disrupted protein product. Loss-of-function variants in JAK3 are known to be pathogenic (PMID: 7481768, 11668621).

Literature cited by the submitters: PubMed 7481768; PubMed 11668621.